The following is an entry in ClinVar:

ClinVar aggregate classification (germline): Uncertain significance (1 of 4 stars; one submission).

Conditions:
Alpha thalassemia-X-linked intellectual disability syndrome (ATRX). Also called: X-linked alpha-thalassemia-mental retardation syndrome; ALPHA-THALASSEMIA/IMPAIRED INTELLECTUAL DEVELOPMENT SYNDROME, X-LINKED; ALPHA-THALASSEMIA/MENTAL RETARDATION SYNDROME, X-LINKED; ATR, NONDELETION TYPE; ATR-X syndrome; Alpha thalassemia mental retardation syndrome, nondeletion type, X-linked. Identifiers: Orphanet 847, MedGen C1845055, MONDO:0010519, OMIM 301040.

Allele frequency attached by ClinVar (database versions not stated): TOPMed below 0.00001.
gnomAD v4.1: 3 of 1,210,980 alleles (0.00025%); highest among the groups gnomAD compares: Non-Finnish European, 0.00034%; no homozygotes.

Submission:

Labcorp Genetics (formerly Invitae), Labcorp
Classification: Uncertain significance for Alpha thalassemia-X-linked intellectual disability syndrome. Last evaluated: 2026-01-12. Review status: criteria provided, single submitter. Criteria: Invitae Variant Classification Sherloc (09022015). Collection method: clinical testing. Allele origin: germline.
Comment: This sequence change affects codon 1368 of the ATRX mRNA. It is a 'silent' change, meaning that it does not change the encoded amino acid sequence of the ATRX protein. This variant is not present in population databases (gnomAD no frequency). This variant has not been reported in the literature in individuals affected with ATRX-related conditions. ClinVar contains an entry for this variant (Variation ID: 1501695). Algorithms developed to predict the effect of sequence changes on RNA splicing suggest that this variant may create or strengthen a splice site. In summary, the available evidence is currently insufficient to determine the role of this variant in disease. Therefore, it has been classified as a Variant of Uncertain Significance.

NM_000489.6(ATRX):c.4104C>T (p.Gly1368=)

Gene: ATRX (ATRX chromatin remodeler; minus strand). Cytogenetic location: Xq21.1.
Variant type: single nucleotide variant.
Coding change: c.4104C>T on transcript NM_000489.6 (MANE Select); coding-DNA position 4104, C replaced by T.
Protein change: p.Gly1368=; no amino-acid change (glycine 1368 retained).
Molecular consequence: synonymous variant.
Genome position (GRCh38, 1-based): chrX:77,663,398, G>A on the plus strand (C>T on the coding strand, the complement: ATRX is on the minus strand). VCF-style: chrX-77663398-G-A. GRCh37 (hg19) VCF-style: chrX-76918887-G-A.
Other names: c.3990C>T, p.Gly1330= (NM_138270.5).
Identifiers: ClinVar variation 1501695 (VCV001501695.4), dbSNP rs782726352, ClinGen allele CA517376262.